The following is an entry in ClinVar:

NM_002471.4(MYH6):c.2591C>T (p.Thr864Met)

Gene: MYH6 (myosin heavy chain 6; minus strand). Cytogenetic location: 14q11.2.
Variant type: single nucleotide variant.
Coding change: c.2591C>T on transcript NM_002471.4 (MANE Select); coding-DNA position 2591, C replaced by T.
Protein change: p.Thr864Met; replaces threonine 864 with methionine.
Molecular consequence: missense variant.
Genome position (GRCh38, 1-based): chr14:23,394,162, G>A on the plus strand (C>T on the coding strand, the complement: MYH6 is on the minus strand). VCF-style: chr14-23394162-G-A. GRCh37 (hg19) VCF-style: chr14-23863371-G-A.
Other names: short protein forms T864M.
Identifiers: ClinVar variation 192122 (VCV000192122.39), dbSNP rs200153625, ClinGen allele CA238407.

ClinVar aggregate classification (germline): Conflicting classifications of pathogenicity. Review status: criteria provided, conflicting classifications (1 of 4 stars). 8 submissions from 8 submitters: Uncertain significance (5); Likely benign (3). Last evaluated 2026-09-19.

Conditions:
MYH6-related disorder. Also called: MYH6-related condition; MYH6-Related Disorders.
Cardiovascular phenotype. Identifiers: MedGen CN230736.
Long QT syndrome (LQTS). Identifiers: MedGen C0023976, MeSH D008133, MONDO:0002442. Disease mechanism: loss of function. Inheritance: Various modes of inheritance.
Hypertrophic cardiomyopathy 14. Identifiers: MedGen C2750467, MONDO:0013197, OMIM 613251.

Allele frequency attached by ClinVar (database versions not stated): ExAC 0.00002; gnomAD exomes 0.00004 and 0.00007; gnomAD 0.00008; TOPMed 0.00008.
gnomAD v4.1: 69 of 1,614,062 alleles (0.0043%); highest among the groups gnomAD compares: Middle Eastern, 0.033%; no homozygotes.

Submissions (8):

PreventionGenetics, part of Exact Sciences
Classification: Uncertain significance for MYH6-related condition. Last evaluated: 2026-09-19. Review status: criteria provided, single submitter. Criteria: ACMG Guidelines, 2015. Collection method: clinical testing. Allele origin: germline.
Comment: The MYH6 c.2591C>T variant is predicted to result in the amino acid substitution p.Thr864Met. This variant has been reported as a paternally inherited variant in an individual with hypoplastic left heart syndrome. (Table S5, Theis et al. 2020. PubMed ID: 33325730). This variant is reported in 0.019% of alleles in individuals of Ashkenazi Jewish descent in gnomAD. At this time, the clinical significance of this variant is uncertain due to the absence of conclusive functional and genetic evidence.

GeneDx
Classification: Uncertain significance. Last evaluated: 2026-02-02. Review status: criteria provided, single submitter. Criteria: GeneDx Variant Classification Process June 2021. Collection method: clinical testing. Allele origin: germline. Affected: yes.
Comment: Identified in a patient with hypoplastic left heart syndrome (HLHS) and was inherited from the unaffected father (PMID: 33325730); In silico analysis suggests that this missense variant does not alter protein structure/function; This variant is associated with the following publications: (PMID: 23861362, 33325730)

Ambry Genetics
Classification: Likely benign for Cardiovascular phenotype. Last evaluated: 2025-02-21. Review status: criteria provided, single submitter. Criteria: Ambry Variant Classification Scheme 2023. Collection method: clinical testing. Allele origin: germline.

Labcorp Genetics (formerly Invitae), Labcorp
Classification: Uncertain significance for Hypertrophic cardiomyopathy 14. Last evaluated: 2025-01-13. Review status: criteria provided, single submitter. Criteria: Invitae Variant Classification Sherloc (09022015). Collection method: clinical testing. Allele origin: germline.
Comment: This sequence change replaces threonine, which is neutral and polar, with methionine, which is neutral and non-polar, at codon 864 of the MYH6 protein (p.Thr864Met). This variant is present in population databases (rs200153625, gnomAD 0.02%). This variant has not been reported in the literature in individuals affected with MYH6-related conditions. ClinVar contains an entry for this variant (Variation ID: 192122). Invitae Evidence Modeling of protein sequence and biophysical properties (such as structural, functional, and spatial information, amino acid conservation, physicochemical variation, residue mobility, and thermodynamic stability) indicates that this missense variant is not expected to disrupt MYH6 protein function with a negative predictive value of 80%. In summary, the available evidence is currently insufficient to determine the role of this variant in disease. Therefore, it has been classified as a Variant of Uncertain Significance.

CeGaT Center for Human Genetics Tuebingen
Classification: Likely benign. Last evaluated: 2024-07-01. Review status: criteria provided, single submitter. Criteria: CeGaT Center For Human Genetics Tuebingen Variant Classification Criteria Version 2. Collection method: clinical testing. Allele origin: germline. Affected: yes. Observed: 1 variant allele.
Comment: MYH6: BP4, BS2

Dept of Medical Biology, Uskudar University
Classification: Uncertain significance for Long QT syndrome. Last evaluated: 2024-01-08. Review status: criteria provided, single submitter. Criteria: Dept of Medical Biology Variant Classification. Collection method: research. Allele origin: paternal. Affected: yes. Observed: 1 variant allele.
Comment: Criteria: Not met

Blueprint Genetics
Classification: Uncertain significance. Last evaluated: 2023-07-27. Review status: criteria provided, single submitter. Criteria: ACMG Guidelines, 2015. Collection method: clinical testing. Allele origin: germline.

Biesecker Lab/Clinical Genomics Section, National Institutes of Health
Classification: Likely benign. Last evaluated: 2013-06-24. Review status: criteria provided, single submitter. Criteria: Ng et al. (Circ Cardiovasc Genet. 2013). Collection method: research. Allele origin: unknown. Observed: 2 variant alleles. Study: ClinSeq.
Comment: The study set was not selected for affection status in relation to any cancer. Pathogenicity categories were based on literature curation. See Pubmed ID:23861362 for details.

Medical sequencing

Literature cited by the submitters: PubMed 23861362 (cited by Ambry Genetics); PubMed 33325730 (cited by Ambry Genetics); PubMed 35621855 (cited by Ambry Genetics).